The following is an entry in ClinVar:

NM_002439.5(MSH3):c.3016_3017del (p.Leu1006fs)

Gene: MSH3 (mutS homolog 3; plus strand). Cytogenetic location: 5q14.1.
Variant type: Deletion.
Coding change: c.3016_3017del on transcript NM_002439.5 (MANE Select); coding-DNA positions 3016 to 3017, 2 bases deleted (CT; older notation c.3016_3017delCT).
Protein change: p.Leu1006fs; shifts the reading frame from leucine 1006.
Molecular consequence: frameshift variant.
Genome position (GRCh38, 1-based): chr5:80,864,828-80,864,829, CT deleted. VCF-style (leftmost placement, unchanged base first): chr5-80864827-CCT-C. GRCh37 (hg19) VCF-style: chr5-80160646-CCT-C.
Other names: short protein forms L1006fs.
Identifiers: ClinVar variation 2891912 (VCV002891912.4), dbSNP rs2478789020, ClinGen allele CA645555241.

ClinVar aggregate classification (germline): Pathogenic. Review status: criteria provided, multiple submitters, no conflicts (2 of 4 stars). 2 submissions from 2 submitters: Pathogenic (2). Last evaluated 2026-02-05.

Conditions:
Familial adenomatous polyposis 4 (FAP4). Also called: MSH3-related attenuated familial adenomatous polyposis. Identifiers: Orphanet 480536, MedGen C4310719, MONDO:0044300, OMIM 617100.

Submissions (2):

Myriad Genetics, Inc.
Classification: Pathogenic for Familial adenomatous polyposis 4. Last evaluated: 2026-02-05. Review status: criteria provided, single submitter. Criteria: Myriad Autosomal Dominant, Autosomal Recessive and X-Linked Classification Criteria (2023). Collection method: clinical testing. Allele origin: unknown.
Comment: This variant is considered pathogenic. This variant creates a frameshift predicted to result in premature protein truncation.

Labcorp Genetics (formerly Invitae), Labcorp
Classification: Pathogenic. Last evaluated: 2024-01-24. Review status: criteria provided, single submitter. Criteria: Invitae Variant Classification Sherloc (09022015). Collection method: clinical testing. Allele origin: germline.
Comment: This sequence change creates a premature translational stop signal (p.Leu1006Valfs*10) in the MSH3 gene. It is expected to result in an absent or disrupted protein product. Loss-of-function variants in MSH3 are known to be pathogenic (PMID: 27476653, 37402566). This variant is not present in population databases (gnomAD no frequency). This variant has not been reported in the literature in individuals affected with MSH3-related conditions. For these reasons, this variant has been classified as Pathogenic.

Literature cited by the submitters: PubMed 27476653 (cited by Labcorp Genetics (formerly Invitae), Labcorp); PubMed 37402566 (cited by Labcorp Genetics (formerly Invitae), Labcorp).